The following is an entry in ClinVar:

NM_001253697.2(ERBIN):c.3043A>G (p.Ser1015Gly)

Gene: ERBIN (erbb2 interacting protein; plus strand). Cytogenetic location: 5q12.3.
Variant type: single nucleotide variant.
Coding change: c.3043A>G on transcript NM_001253697.2 (MANE Select); coding-DNA position 3043, A replaced by G.
Protein change: p.Ser1015Gly; replaces serine 1015 with glycine.
Molecular consequence: missense variant.
Genome position (GRCh38, 1-based): chr5:66,054,361, A>G. VCF-style: chr5-66054361-A-G. GRCh37 (hg19) VCF-style: chr5-65350189-A-G.
Other names: c.3043A>G, p.Ser1015Gly (NM_001006600.3, NM_001253698.2, NM_001253699.2 and 1 more transcripts); c.3031A>G, p.Ser1011Gly (NM_001253701.2); short protein forms S1015G, S1011G.
Identifiers: ClinVar variation 1997069 (VCV001997069.4), dbSNP rs2546814299, ClinGen allele CA359868611.

ClinVar aggregate classification (germline): Uncertain significance (1 of 4 stars; one submission).

Submission:

Labcorp Genetics (formerly Invitae), Labcorp
Classification: Uncertain significance. Last evaluated: 2022-05-20. Review status: criteria provided, single submitter. Criteria: Invitae Variant Classification Sherloc (09022015). Collection method: clinical testing. Allele origin: germline.
Comment: This sequence change replaces serine, which is neutral and polar, with glycine, which is neutral and non-polar, at codon 1015 of the ERBIN protein (p.Ser1015Gly). This variant is not present in population databases (gnomAD no frequency). In summary, the available evidence is currently insufficient to determine the role of this variant in disease. Therefore, it has been classified as a Variant of Uncertain Significance. Algorithms developed to predict the effect of missense changes on protein structure and function (SIFT, PolyPhen-2, Align-GVGD) all suggest that this variant is likely to be tolerated. This variant has not been reported in the literature in individuals affected with ERBIN-related conditions.